The following is an entry in ClinVar:

ClinVar aggregate classification (germline): Benign (0 of 4 stars; one submission).

Conditions:
EFR3A-related disorder. Also called: EFR3A-related condition.

Allele frequency attached by ClinVar (database versions not stated): gnomAD exomes 0.00145; ExAC 0.00417; 1000 Genomes Project 0.01358; gnomAD 0.01422; 1000 Genomes Project 30x 0.01452; TOPMed 0.01531; ESP Exome Variant Server 0.01538.

Submission:

PreventionGenetics, part of Exact Sciences
Classification: Benign for EFR3A-related condition. Last evaluated: 2019-05-03. Review status: no assertion criteria provided. Collection method: clinical testing. Allele origin: germline.
Comment: This variant is classified as benign based on ACMG/AMP sequence variant interpretation guidelines (Richards et al. 2015 PMID: 25741868, with internal and published modifications).

NM_015137.6(EFR3A):c.639-3T>C

Gene: EFR3A (EFR3 homolog A; plus strand). Cytogenetic location: 8q24.22.
Variant type: single nucleotide variant.
Coding change: c.639-3T>C on transcript NM_015137.6 (MANE Select); 3 bases into the intron before coding-DNA position 639, T replaced by C.
Molecular consequence: intron variant.
Genome position (GRCh38, 1-based): chr8:131,955,765, T>C. VCF-style: chr8-131955765-T-C. GRCh37 (hg19) VCF-style: chr8-132968012-T-C.
Other names: c.531-3T>C (NM_001323555.2, NM_001323554.2, NM_001323553.2 and 2 more transcripts); c.639-3T>C (NM_001323558.2).
Identifiers: ClinVar variation 3060704 (VCV003060704.2), dbSNP rs116739700, ClinGen allele CA4878829.